The following is an entry in ClinVar:

NM_002015.4(FOXO1):c.54C>T (p.Pro18=)

Gene: FOXO1 (forkhead box O1; minus strand). Cytogenetic location: 13q14.11.
Variant type: single nucleotide variant.
Coding change: c.54C>T on transcript NM_002015.4 (MANE Select); coding-DNA position 54, C replaced by T.
Protein change: p.Pro18=; no amino-acid change (proline 18 retained).
Molecular consequence: synonymous variant.
Genome position (GRCh38, 1-based): chr13:40,666,159, G>A on the plus strand (C>T on the coding strand, the complement: FOXO1 is on the minus strand). VCF-style: chr13-40666159-G-A. GRCh37 (hg19) VCF-style: chr13-41240296-G-A.
Identifiers: ClinVar variation 2643778 (VCV002643778.24), dbSNP rs542262788, ClinGen allele CA6959222.

ClinVar aggregate classification (germline): Likely benign. Review status: criteria provided, single submitter (1 of 4 stars). 2 submissions from 2 submitters: Likely benign (1). 1 of the submissions does not count toward it. Last evaluated 2022-05-01.

Conditions:
FOXO1-related disorder. Also called: FOXO1-related condition.

Allele frequency attached by ClinVar (database versions not stated): ExAC 0.00020; 1000 Genomes Project 30x 0.00031; 1000 Genomes Project 0.00040; TOPMed 0.00070; gnomAD 0.00086.
gnomAD v4.1: 1,486 of 1,463,328 alleles (0.1%); highest among the groups gnomAD compares: Non-Finnish European, 0.13%; 3 homozygotes.

Submissions (2):

CeGaT Center for Human Genetics Tuebingen
Classification: Likely benign. Last evaluated: 2022-05-01. Review status: criteria provided, single submitter. Criteria: CeGaT Center For Human Genetics Tuebingen Variant Classification Criteria Version 2. Collection method: clinical testing. Allele origin: germline. Affected: yes. Observed: 1 variant allele.
Comment: FOXO1: BP4, BP7

PreventionGenetics, part of Exact Sciences
Classification: Likely benign for FOXO1-related condition. Last evaluated: 2019-04-30. Review status: no assertion criteria provided. Collection method: clinical testing. Allele origin: germline. Not counted in ClinVar's aggregate classification.
Comment: This variant is classified as likely benign based on ACMG/AMP sequence variant interpretation guidelines (Richards et al. 2015 PMID: 25741868, with internal and published modifications).